The following is an entry in ClinVar:

NM_012330.4(KAT6B):c.5818C>G (p.Gln1940Glu)

Gene: KAT6B (lysine acetyltransferase 6B; plus strand). Cytogenetic location: 10q22.2.
Variant type: single nucleotide variant.
Coding change: c.5818C>G on transcript NM_012330.4 (MANE Select); coding-DNA position 5818, C replaced by G.
Protein change: p.Gln1940Glu; replaces glutamine 1940 with glutamic acid.
Molecular consequence: missense variant.
Genome position (GRCh38, 1-based): chr10:75,030,642, C>G. VCF-style: chr10-75030642-C-G. GRCh37 (hg19) VCF-style: chr10-76790400-C-G.
Other names: c.5818C>G, p.Gln1940Glu (NM_001370137.1, NM_001370136.1); c.5269C>G, p.Gln1757Glu (NM_001370138.1, NM_001256468.2); c.4942C>G, p.Gln1648Glu (NM_001370139.1, NM_001370140.1, NM_001370141.1 and 2 more transcripts); c.4753C>G, p.Gln1585Glu (NM_001370143.1, NM_001370144.1); c.4780C>G, p.Gln1594Glu (NM_001370132.1); c.4129C>G, p.Gln1377Glu (NM_001370133.1); c.3733C>G, p.Gln1245Glu (NM_001370134.1); c.3475C>G, p.Gln1159Glu (NM_001370135.1); short protein forms Q1377E, Q1648E, Q1245E, Q1757E, Q1585E, Q1594E, Q1940E, Q1159E.
Identifiers: ClinVar variation 1991870 (VCV001991870.6), dbSNP rs1846246071, ClinGen allele CA377302227.

ClinVar aggregate classification (germline): Uncertain significance. Review status: criteria provided, multiple submitters, no conflicts (2 of 4 stars). 2 submissions from 2 submitters: Uncertain significance (2). Last evaluated 2025-11-06.

Conditions:
Genitopatellar syndrome (GTPTS). Also called: ABSENT PATELLAE, SCROTAL HYPOPLASIA, RENAL ANOMALIES, FACIAL DYSMORPHISM, AND MENTAL RETARDATION; Genitopatellar syndrome (GPS). Identifiers: Orphanet 85201, MedGen C1853566, MONDO:0011640, OMIM 606170.

Allele frequency attached by ClinVar (database versions not stated): TOPMed 0.00001.

Submissions (2):

Dasa
Classification: Uncertain significance. Last evaluated: 2025-11-06. Review status: criteria provided, single submitter. Criteria: DASA Assertion Criteria. Collection method: clinical testing. Allele origin: germline.
Comment: NM_012330.4(KAT6B):c.5818C>G (p.Gln1940Glu) is a missense variant that results in the substitution of glutamine with glutamic acid. This variant is absent from population databases. The currently available literature and clinical evidence are not sufficient to establish a definitive association between this variant and the reported condition. Therefore, this variant is classified as a variant of uncertain significance.

Labcorp Genetics (formerly Invitae), Labcorp
Classification: Uncertain significance for Genitopatellar syndrome. Last evaluated: 2022-09-23. Review status: criteria provided, single submitter. Criteria: Invitae Variant Classification Sherloc (09022015). Collection method: clinical testing. Allele origin: germline.
Comment: This sequence change replaces glutamine, which is neutral and polar, with glutamic acid, which is acidic and polar, at codon 1940 of the KAT6B protein (p.Gln1940Glu). This variant is not present in population databases (gnomAD no frequency). This variant has not been reported in the literature in individuals affected with KAT6B-related conditions. Algorithms developed to predict the effect of missense changes on protein structure and function are either unavailable or do not agree on the potential impact of this missense change (SIFT: "Tolerated"; PolyPhen-2: "Probably Damaging"; Align-GVGD: "Class C0"). In summary, the available evidence is currently insufficient to determine the role of this variant in disease. Therefore, it has been classified as a Variant of Uncertain Significance.